The following is an entry in ClinVar:

NM_002880.4(RAF1):c.1067G>C (p.Gly356Ala)

Gene: RAF1 (Raf-1 proto-oncogene, serine/threonine kinase; minus strand). Cytogenetic location: 3p25.2.
Variant type: single nucleotide variant.
Coding change: c.1067G>C on transcript NM_002880.4 (MANE Select); coding-DNA position 1067, G replaced by C.
Protein change: p.Gly356Ala; replaces glycine 356 with alanine.
Molecular consequence: missense variant. On other transcripts: non-coding transcript variant (3).
Genome position (GRCh38, 1-based): chr3:12,599,732, C>G on the plus strand (G>C on the coding strand, the complement: RAF1 is on the minus strand). VCF-style: chr3-12599732-C-G. GRCh37 (hg19) VCF-style: chr3-12641231-C-G.
Other names: c.1127G>C, p.Gly376Ala (NM_001354689.3); c.1067G>C, p.Gly356Ala (NM_001354690.3); c.824G>C, p.Gly275Ala (NM_001354691.3, NM_001354692.3); c.968G>C, p.Gly323Ala (NM_001354693.3); c.884G>C, p.Gly295Ala (NM_001354694.3); c.725G>C, p.Gly242Ala (NM_001354695.3); short protein forms G356A, G376A, G242A, G295A, G275A, G323A.
Identifiers: ClinVar variation 561790 (VCV000561790.5), dbSNP rs1357778828, ClinGen allele CA351507525.

ClinVar aggregate classification (germline): Uncertain significance. Review status: criteria provided, multiple submitters, no conflicts (2 of 4 stars). 3 submissions from 3 submitters: Uncertain significance (3). Last evaluated 2025-05-01.

Conditions:
RASopathy. Also called: rasopathies; Noonan spectrum disorder. Identifiers: Orphanet 536391, MedGen C5555857, MONDO:0021060.

Allele frequency attached by ClinVar (database versions not stated): gnomAD 0.00001.
gnomAD v4.1: 1 of 1,613,998 alleles (0.000062%); highest among the groups gnomAD compares: African/African-American, 0.0013%; no homozygotes.

Submissions (3):

Labcorp Genetics (formerly Invitae), Labcorp
Classification: Uncertain significance for RASopathy. Last evaluated: 2025-05-01. Review status: criteria provided, single submitter. Criteria: Invitae Variant Classification Sherloc (09022015). Collection method: clinical testing. Allele origin: germline.
Comment: This sequence change replaces glycine, which is neutral and non-polar, with alanine, which is neutral and non-polar, at codon 356 of the RAF1 protein (p.Gly356Ala). This variant is present in population databases (no rsID available, gnomAD 0.01%). This variant has not been reported in the literature in individuals affected with RAF1-related conditions. ClinVar contains an entry for this variant (Variation ID: 561790). Invitae Evidence Modeling incorporating data from in vitro experimental studies (internal data) indicates that this missense variant is expected to disrupt RAF1 function with a positive predictive value of 95%. In summary, the available evidence is currently insufficient to determine the role of this variant in disease. Therefore, it has been classified as a Variant of Uncertain Significance.

Revvity Omics, Revvity
Classification: Uncertain significance. Last evaluated: 2022-03-28. Review status: criteria provided, single submitter. Criteria: ACMG Guidelines, 2015. Collection method: clinical testing. Allele origin: germline.

GeneDx
Classification: Uncertain significance. Last evaluated: 2018-04-16. Review status: criteria provided, single submitter. Criteria: GeneDx Variant Classification (06012015). Collection method: clinical testing. Allele origin: germline. Affected: yes.
Comment: The G356A variant in the RAF1 gene has not been reported previously as a pathogenic variant, nor as a benign variant, to our knowledge. The G356A variant is observed in 1/30,964 alleles in large population cohorts (Lek et al., 2016). The G356A variant is a conservative amino acid substitution, which is not likely to impact secondary protein structure as these residues share similar properties. However, in silico analyses, including protein predictors and evolutionary conservation, support a deleterious effect. Additionally, the majority of missense variants in this gene are considered pathogenic (Stenson et al., 2014). We interpret G356A as a variant of uncertain significance.